The following is an entry in ClinVar:

ClinVar aggregate classification (germline): Uncertain significance. Review status: criteria provided, multiple submitters, no conflicts (2 of 4 stars). 2 submissions from 2 submitters: Uncertain significance (2). Last evaluated 2025-10-22.

Conditions:
Inborn genetic diseases. Identifiers: MedGen C0950123, MeSH D030342.

Allele frequency attached by ClinVar (database versions not stated): gnomAD exomes below 0.00001 and 0.00001; gnomAD 0.00001; TOPMed 0.00001.

Submissions (2):

Labcorp Genetics (formerly Invitae), Labcorp
Classification: Uncertain significance. Last evaluated: 2025-10-22. Review status: criteria provided, single submitter. Criteria: Invitae Variant Classification Sherloc (09022015). Collection method: clinical testing. Allele origin: germline.
Comment: This sequence change replaces valine, which is neutral and non-polar, with isoleucine, which is neutral and non-polar, at codon 257 of the PDE6C protein (p.Val257Ile). This variant is present in population databases (no rsID available, gnomAD no frequency). This variant has not been reported in the literature in individuals affected with PDE6C-related conditions. ClinVar contains an entry for this variant (Variation ID: 840000). Invitae Evidence Modeling of protein sequence and biophysical properties (such as structural, functional, and spatial information, amino acid conservation, physicochemical variation, residue mobility, and thermodynamic stability) indicates that this missense variant is not expected to disrupt PDE6C protein function with a negative predictive value of 95%. In summary, the available evidence is currently insufficient to determine the role of this variant in disease. Therefore, it has been classified as a Variant of Uncertain Significance.

Ambry Genetics
Classification: Uncertain significance for Inborn genetic diseases. Last evaluated: 2025-10-17. Review status: criteria provided, single submitter. Criteria: Ambry Variant Classification Scheme 2023. Collection method: clinical testing. Allele origin: germline.

NM_006204.4(PDE6C):c.769G>A (p.Val257Ile)

Gene: PDE6C (phosphodiesterase 6C; plus strand). Cytogenetic location: 10q23.33.
Variant type: single nucleotide variant.
Coding change: c.769G>A on transcript NM_006204.4 (MANE Select); coding-DNA position 769, G replaced by A.
Protein change: p.Val257Ile; replaces valine 257 with isoleucine.
Molecular consequence: missense variant.
Genome position (GRCh38, 1-based): chr10:93,621,977, G>A. VCF-style: chr10-93621977-G-A. GRCh37 (hg19) VCF-style: chr10-95381734-G-A.
Other names: short protein forms V257I.
Identifiers: ClinVar variation 840000 (VCV000840000.8), dbSNP rs1171515355, ClinGen allele CA377628347.